The following is an entry in ClinVar:

ClinVar aggregate classification (germline): Likely benign (0 of 4 stars; one submission).

Conditions:
BMP4-related disorder. Also called: BMP4-related condition.

Allele frequency attached by ClinVar (database versions not stated): TOPMed below 0.00001; gnomAD exomes 0.00001; ExAC 0.00002.
gnomAD v4.1: 8 of 1,614,230 alleles (0.0005%); highest among the groups gnomAD compares: South Asian, 0.0077%; no homozygotes.

Submission:

PreventionGenetics, part of Exact Sciences
Classification: Likely benign for BMP4-related condition. Last evaluated: 2019-11-07. Review status: no assertion criteria provided. Collection method: clinical testing. Allele origin: germline.
Comment: This variant is classified as likely benign based on ACMG/AMP sequence variant interpretation guidelines (Richards et al. 2015 PMID: 25741868, with internal and published modifications).

NM_001202.6(BMP4):c.942T>C (p.Tyr314=)

Gene: BMP4 (bone morphogenetic protein 4; minus strand). Cytogenetic location: 14q22.2.
Variant type: single nucleotide variant.
Coding change: c.942T>C on transcript NM_001202.6 (MANE Select); coding-DNA position 942, T replaced by C.
Protein change: p.Tyr314=; no amino-acid change (tyrosine 314 retained).
Molecular consequence: synonymous variant.
Genome position (GRCh38, 1-based): chr14:53,950,317, A>G on the plus strand (T>C on the coding strand, the complement: BMP4 is on the minus strand). VCF-style: chr14-53950317-A-G. GRCh37 (hg19) VCF-style: chr14-54417035-A-G.
Other names: c.1083T>C, p.Tyr361= (NM_001347912.1); c.753T>C, p.Tyr251= (NM_001347913.2, NM_001347915.2, NM_001347917.1); c.942T>C, p.Tyr314= (NM_001347914.2, NM_001347916.1, NM_130850.5 and 1 more transcripts).
Identifiers: ClinVar variation 3045639 (VCV003045639.2), dbSNP rs752843930, ClinGen allele CA7191639.